The following is an entry in ClinVar:

NM_001204406.2(ALOX5AP):c.116+3G>A

Gene: ALOX5AP (arachidonate 5-lipoxygenase activating protein; plus strand). Cytogenetic location: 13q12.3.
Variant type: single nucleotide variant.
Coding change: c.116+3G>A on transcript NM_001204406.2; 3 bases into the intron after coding-DNA position 116, G replaced by A.
Molecular consequence: intron variant.
Genome position (GRCh38, 1-based): chr13:30,713,844, G>A. VCF-style: chr13-30713844-G-A. GRCh37 (hg19) VCF-style: chr13-31287981-G-A.
Other names: NC_000013.10:g.31287981G>A.
Identifiers: ClinVar variation 3041316 (VCV003041316.3), dbSNP rs73163047, ClinGen allele CA6934715.
Genomic context (GRCh38, chr13:30,713,844, plus strand): 5'-AATTTGGGAAATCCTTTGGCACCTTGGGGCACATTGGGAACATAAGCCATCAGTGCTGGT[G>A]TGTGTGTGTGTGCGCGCACACGCGCATGTGTGTGCATCTTCTACCATGCCTCCTACAAAT-3'

ClinVar aggregate classification (germline): Likely benign (0 of 4 stars; one submission).

Conditions:
ALOX5AP-related disorder. Also called: ALOX5AP-related condition.

Allele frequency attached by ClinVar (database versions not stated): gnomAD exomes 0.00108; ExAC 0.00588; gnomAD 0.00012.
gnomAD v4.1: 638 of 650,680 alleles (0.098%); highest among the groups gnomAD compares: Admixed American, 0.18%; no homozygotes.

Submissions (2):

PreventionGenetics, part of Exact Sciences
Classification: Likely benign for ALOX5AP-related condition. Last evaluated: 2019-07-03. Review status: no assertion criteria provided. Collection method: clinical testing. Allele origin: germline.
Comment: This variant is classified as likely benign based on ACMG/AMP sequence variant interpretation guidelines (Richards et al. 2015 PMID: 25741868, with internal and published modifications).

Dr. Peter K. Rogan Lab, Western University
No classification provided (evidence only). Condition: Acute myeloid leukemia. Review status: no classification provided. Collection method: in vitro. Allele origin: not applicable. Functional consequence: retained intron. Not counted in ClinVar's aggregate classification.